The following is an entry in ClinVar:

ClinVar aggregate classification (germline): Uncertain significance (1 of 4 stars; one submission).

Conditions:
Tuberous sclerosis 2 (TSC2). Identifiers: Orphanet 805, MedGen C1860707, MONDO:0013199, OMIM 613254.

Submission:

Labcorp Genetics (formerly Invitae), Labcorp
Classification: Uncertain significance for Tuberous sclerosis 2. Last evaluated: 2023-05-31. Review status: criteria provided, single submitter. Criteria: Invitae Variant Classification Sherloc (09022015). Collection method: clinical testing. Allele origin: germline.
Comment: In summary, the available evidence is currently insufficient to determine the role of this variant in disease. Therefore, it has been classified as a Variant of Uncertain Significance. Advanced modeling of protein sequence and biophysical properties (such as structural, functional, and spatial information, amino acid conservation, physicochemical variation, residue mobility, and thermodynamic stability) performed at Invitae indicates that this missense variant is not expected to disrupt TSC2 protein function. This variant has not been reported in the literature in individuals affected with TSC2-related conditions. This variant is not present in population databases (gnomAD no frequency). This sequence change replaces leucine, which is neutral and non-polar, with valine, which is neutral and non-polar, at codon 528 of the TSC2 protein (p.Leu528Val).

NM_000548.5(TSC2):c.1582C>G (p.Leu528Val)

Gene: TSC2 (TSC complex subunit 2; plus strand). Cytogenetic location: 16p13.3.
Variant type: single nucleotide variant.
Coding change: c.1582C>G on transcript NM_000548.5 (MANE Select); coding-DNA position 1582, C replaced by G.
Protein change: p.Leu528Val; replaces leucine 528 with valine.
Molecular consequence: missense variant. On other transcripts: 5 prime UTR variant (1), non-coding transcript variant (5).
Genome position (GRCh38, 1-based): chr16:2,064,410, C>G. VCF-style: chr16-2064410-C-G. GRCh37 (hg19) VCF-style: chr16-2114411-C-G.
Other names: c.1435C>G, p.Leu479Val (NM_001318829.2, NM_001406675.1, NM_001406676.1 and 1 more transcripts); c.982C>G, p.Leu328Val (NM_001318831.2, NM_001406686.1, NM_001406687.1 and 6 more transcripts); c.1615C>G, p.Leu539Val (NM_001318832.2); c.1582C>G, p.Leu528Val (NM_001363528.2, NM_001370405.1, NM_001406663.1 and 6 more transcripts); c.1672C>G, p.Leu558Val (NM_001406667.1, NM_001406668.1); c.1471C>G, p.Leu491Val (NM_001406670.1, NM_001406678.1, NM_001318827.2); c.1570C>G, p.Leu524Val (NM_001406671.1, NM_001406673.1); c.238C>G, p.Leu80Val (NM_001406693.1, NM_001406694.1, NM_001406695.1 and 6 more transcripts); and 3 more; short protein forms L374V, L479V, L491V, L80V, L328V, L509V, L528V, L558V.
Identifiers: ClinVar variation 2752998 (VCV002752998.3), dbSNP rs2151191760, ClinGen allele CA394326701.